The following is an entry in ClinVar:

ClinVar aggregate classification (germline): Benign/Likely benign. Review status: criteria provided, multiple submitters, no conflicts (2 of 4 stars). 12 submissions from 8 submitters: Benign (7); Likely benign (5). Last evaluated 2026-01-28.

Conditions:
FGFR2-related craniosynostosis. Identifiers: MedGen CN231480.
Craniosynostosis syndrome. Also called: Craniosynostosis. Identifiers: Orphanet 1531, MedGen C0010278, MeSH D003398, MONDO:0015469, HP:0001363.
Isolated Coronal Synostosis. Identifiers: MedGen CN043619.
Crouzon syndrome. Also called: Craniofacial dysostosis; CRANIOFACIAL DYSOSTOSIS, TYPE I; Craniofacial dysostosis type 1; Crouzon craniofacial dysostosis; Crouzon disease. Identifiers: Orphanet 207, MedGen C0010273, MeSH D003394, MONDO:0007405, OMIM 123500, HP:0004439.
Beare-Stevenson cutis gyrata syndrome (BSTVS). Identifiers: Orphanet 1555, MedGen C1852406, MONDO:0007412, OMIM 123790.
Saethre-Chotzen syndrome (SCS). Also called: ACROCEPHALY, SKULL ASYMMETRY, AND MILD SYNDACTYLY; ACS III; CHOTZEN SYNDROME. Identifiers: Orphanet 794, MedGen C0175699, MONDO:0007042, OMIM 101400.

Allele frequency attached by ClinVar (database versions not stated): TOPMed 0.00256; 1000 Genomes Project 0.00359; 1000 Genomes Project 30x 0.00390; gnomAD exomes 0.00068; ExAC 0.00090; ESP Exome Variant Server 0.00192; gnomAD 0.00228 and 0.00234.
gnomAD v4.1: 955 of 1,614,018 alleles (0.059%); highest among the groups gnomAD compares: African/African-American, 0.82%; 3 homozygotes.

Submissions (12):

Labcorp Genetics (formerly Invitae), Labcorp
Classification: Benign for FGFR2-related craniosynostosis. Last evaluated: 2026-01-28. Review status: criteria provided, single submitter. Criteria: Invitae Variant Classification Sherloc (09022015). Collection method: clinical testing. Allele origin: germline.

CeGaT Center for Human Genetics Tuebingen
Classification: Likely benign. Last evaluated: 2025-07-01. Review status: criteria provided, single submitter. Criteria: CeGaT Center For Human Genetics Tuebingen Variant Classification Criteria Version 2. Collection method: clinical testing. Allele origin: germline. Affected: yes. Observed: 2 variant alleles.
Comment: FGFR2: BP4, BP7

ARUP Laboratories, Molecular Genetics and Genomics, ARUP Laboratories
Classification: Benign. Last evaluated: 2025-06-24. Review status: criteria provided, single submitter. Criteria: ARUP Molecular Germline Variant Investigation Process 2024. Collection method: clinical testing. Allele origin: germline.

Blueprint Genetics
Classification: Likely benign. Last evaluated: 2024-11-06. Review status: criteria provided, single submitter. Criteria: ACMG Guidelines, 2015. Collection method: clinical testing. Allele origin: germline.

GeneDx
Classification: Benign. Last evaluated: 2019-02-27. Review status: criteria provided, single submitter. Criteria: GeneDx Variant Classification Process June 2021. Collection method: clinical testing. Allele origin: germline. Affected: yes.

Illumina Laboratory Services, Illumina
Classification: Benign for Crouzon syndrome. Last evaluated: 2018-01-13. Review status: criteria provided, single submitter. Criteria: ICSL Variant Classification Criteria 13 December 2019. Collection method: clinical testing. Allele origin: germline.
Comment: This variant was observed in the ICSL laboratory as part of a predisposition screen in an ostensibly healthy population. It had not been previously curated by ICSL or reported in the Human Gene Mutation Database (HGMD: prior to June 1st, 2018), and was therefore a candidate for classification through an automated scoring system. Utilizing variant allele frequency, disease prevalence and penetrance estimates, and inheritance mode, an automated score was calculated to assess if this variant is too frequent to cause the disease. Based on the score and internal cut-off values, a variant classified as benign is not then subjected to further curation. The score for this variant resulted in a classification of benign for this disease.

Illumina Laboratory Services, Illumina
Classification: Benign for Beare-Stevenson cutis gyrata syndrome. Last evaluated: 2018-01-13. Review status: criteria provided, single submitter. Criteria: ICSL Variant Classification Criteria 13 December 2019. Collection method: clinical testing. Allele origin: germline.
Comment: the same text as in the submission from Illumina Laboratory Services, Illumina above.

Illumina Laboratory Services, Illumina
Classification: Likely benign for Isolated coronal synostosis. Last evaluated: 2018-01-13. Review status: criteria provided, single submitter. Criteria: ICSL Variant Classification Criteria 13 December 2019. Collection method: clinical testing. Allele origin: germline.
Comment: This variant was observed in the ICSL laboratory as part of a predisposition screen in an ostensibly healthy population. It had not been previously curated by ICSL or reported in the Human Gene Mutation Database (HGMD: prior to June 1st, 2018), and was therefore a candidate for classification through an automated scoring system. Utilizing variant allele frequency, disease prevalence and penetrance estimates, and inheritance mode, an automated score was calculated to assess if this variant is too frequent to cause the disease. Based on the score and internal cut-off values, a variant classified as likely benign is not then subjected to further curation. The score for this variant resulted in a classification of likely benign for this disease.

Illumina Laboratory Services, Illumina
Classification: Benign for Craniosynostosis. Last evaluated: 2018-01-13. Review status: criteria provided, single submitter. Criteria: ICSL Variant Classification Criteria 13 December 2019. Collection method: clinical testing. Allele origin: germline.
Comment: the same text as in the submission from Illumina Laboratory Services, Illumina above.

Illumina Laboratory Services, Illumina
Classification: Benign for Saethre-Chotzen syndrome. Last evaluated: 2018-01-13. Review status: criteria provided, single submitter. Criteria: ICSL Variant Classification Criteria 13 December 2019. Collection method: clinical testing. Allele origin: germline.
Comment: the same text as in the submission from Illumina Laboratory Services, Illumina above.

Eurofins Ntd Llc (ga)
Classification: Likely benign. Last evaluated: 2015-11-06. Review status: criteria provided, single submitter. Criteria: EGL Classification Definitions 2015. Collection method: clinical testing. Allele origin: germline. Observed: 1 variant allele, 1 heterozygote.

Breakthrough Genomics
Classification: Likely benign. Review status: criteria provided, single submitter. Criteria: ACMG Guidelines, 2015. Collection method: not provided. Allele origin: germline. Inheritance: Autosomal dominant inheritance. Affected: yes.

NM_000141.5(FGFR2):c.1539C>T (p.Thr513=)

Gene: FGFR2 (fibroblast growth factor receptor 2; minus strand). Cytogenetic location: 10q26.13.
Variant type: single nucleotide variant.
Coding change: c.1539C>T on transcript NM_000141.5 (MANE Select); coding-DNA position 1539, C replaced by T.
Protein change: p.Thr513=; no amino-acid change (threonine 513 retained).
Molecular consequence: synonymous variant. On other transcripts: non-coding transcript variant (1).
Genome position (GRCh38, 1-based): chr10:121,500,848, G>A on the plus strand (C>T on the coding strand, the complement: FGFR2 is on the minus strand). VCF-style: chr10-121500848-G-A. GRCh37 (hg19) VCF-style: chr10-123260362-G-A.
Other names: c.1542C>T, p.Thr514= (NM_001144913.1, NM_022970.4); c.1203C>T, p.Thr401= (NM_001144914.1); c.1272C>T, p.Thr424= (NM_001144915.2, NM_023029.3); c.1194C>T, p.Thr398= (NM_001144916.2); c.1191C>T, p.Thr397= (NM_001144917.2); c.1188C>T, p.Thr396= (NM_001144918.2); c.1275C>T, p.Thr425= (NM_001144919.2); c.855C>T, p.Thr285= (NM_001320654.2); and 1 more.
Identifiers: ClinVar variation 284354 (VCV000284354.57), dbSNP rs74160617, ClinGen allele CA5720721.